The following is an entry in ClinVar:

ClinVar aggregate classification (germline): Uncertain significance (1 of 4 stars; one submission).

Submission:

Labcorp Genetics (formerly Invitae), Labcorp
Classification: Uncertain significance. Last evaluated: 2021-04-18. Review status: criteria provided, single submitter. Criteria: Invitae Variant Classification Sherloc (09022015). Collection method: clinical testing. Allele origin: germline.
Comment: In summary, the available evidence is currently insufficient to determine the role of this variant in disease. Therefore, it has been classified as a Variant of Uncertain Significance. Algorithms developed to predict the effect of missense changes on protein structure and function (SIFT, PolyPhen-2, Align-GVGD) all suggest that this variant is likely to be tolerated, but these predictions have not been confirmed by published functional studies and their clinical significance is uncertain. This variant has not been reported in the literature in individuals with POLE-related conditions. This variant is not present in population databases (ExAC no frequency). This sequence change replaces threonine with isoleucine at codon 108 of the POLE protein (p.Thr108Ile). The threonine residue is weakly conserved and there is a moderate physicochemical difference between threonine and isoleucine.

NM_006231.4(POLE):c.323C>T (p.Thr108Ile)

Gene: POLE (DNA polymerase epsilon, catalytic subunit; minus strand). Cytogenetic location: 12q24.33.
Variant type: single nucleotide variant.
Coding change: c.323C>T on transcript NM_006231.4 (MANE Select); coding-DNA position 323, C replaced by T.
Protein change: p.Thr108Ile; replaces threonine 108 with isoleucine.
Molecular consequence: missense variant.
Genome position (GRCh38, 1-based): chr12:132,680,185, G>A on the plus strand (C>T on the coding strand, the complement: POLE is on the minus strand). VCF-style: chr12-132680185-G-A. GRCh37 (hg19) VCF-style: chr12-133256771-G-A.
Other names: short protein forms T108I.
Identifiers: ClinVar variation 1469558 (VCV001469558.8), dbSNP rs2136029581, ClinGen allele CA387368577.